The following is an entry in ClinVar:

ClinVar aggregate classification (germline): Likely pathogenic. Review status: criteria provided, multiple submitters, no conflicts (2 of 4 stars). 3 submissions from 3 submitters: Likely pathogenic (3). Last evaluated 2025-01-07.

Conditions:
Nephrogenic diabetes insipidus. Identifiers: Orphanet 223, MedGen C0162283, MONDO:0016383, HP:0009806.
Diabetes insipidus, nephrogenic, autosomal (NDI2). Also called: Nephrogenic Diabetes Insipidus, Type II; Diabetes insipidus, nephrogenic, 2, autosomal. Identifiers: Orphanet 223, MedGen C1563706, MONDO:0007451, OMIM 125800.

Allele frequency attached by ClinVar (database versions not stated): gnomAD 0.00001; gnomAD exomes below 0.00001; TOPMed below 0.00001.
gnomAD v4.1: 20 of 1,613,964 alleles (0.0012%); highest among the groups gnomAD compares: East Asian, 0.0022%; no homozygotes.

Submissions (3):

Revvity Omics, Revvity
Classification: Likely pathogenic for Diabetes insipidus, nephrogenic, autosomal. Last evaluated: 2025-01-07. Review status: criteria provided, single submitter. Criteria: ACMG Guidelines, 2015. Collection method: clinical testing. Allele origin: germline.

Labcorp Genetics (formerly Invitae), Labcorp
Classification: Likely pathogenic. Last evaluated: 2023-12-22. Review status: criteria provided, single submitter. Criteria: Invitae Variant Classification Sherloc (09022015). Collection method: clinical testing. Allele origin: germline.
Comment: This sequence change replaces arginine, which is basic and polar, with histidine, which is basic and polar, at codon 187 of the AQP2 protein (p.Arg187His). This variant is present in population databases (rs193922495, gnomAD 0.003%). This missense change has been observed in individual(s) with autosomal recessive congenital nephrogenic diabetes insipidus (PMID: 16361827). ClinVar contains an entry for this variant (Variation ID: 35695). Advanced modeling of protein sequence and biophysical properties (such as structural, functional, and spatial information, amino acid conservation, physicochemical variation, residue mobility, and thermodynamic stability) performed at Invitae indicates that this missense variant is expected to disrupt AQP2 protein function with a positive predictive value of 80%. This variant disrupts the p.Arg187 amino acid residue in AQP2. Other variant(s) that disrupt this residue have been determined to be pathogenic (PMID: 7524315, 20403973). This suggests that this residue is clinically significant, and that variants that disrupt this residue are likely to be disease-causing. In summary, the currently available evidence indicates that the variant is pathogenic, but additional data are needed to prove that conclusively. Therefore, this variant has been classified as Likely Pathogenic.

Women's Health and Genetics/Laboratory Corporation of America, LabCorp
Classification: Likely pathogenic for Nephrogenic Diabetes Insipidus. Last evaluated: 2011-08-18. Review status: criteria provided, single submitter. Criteria: LabCorp Variant Classification Summary - May 2015. Collection method: curation, clinical testing. Allele origin: germline. Inheritance: autosomal recessive. Affected: yes. Observed: 1 variant allele.
ClinVar note: Converted during submission from likely pathogenic to Likely pathogenic.

Literature cited by the submitters: PubMed 16361827 (cited by Labcorp Genetics (formerly Invitae), Labcorp and Women's Health and Genetics/Laboratory Corporation of America, LabCorp); PubMed 7524315 (cited by Labcorp Genetics (formerly Invitae), Labcorp); PubMed 20403973 (cited by Labcorp Genetics (formerly Invitae), Labcorp); PubMed 18470935 (cited by Women's Health and Genetics/Laboratory Corporation of America, LabCorp).

NM_000486.6(AQP2):c.560G>A (p.Arg187His)

Genes: AQP5-AS1 (AQP5 and AQP2 antisense RNA 2; minus strand), AQP2 (aquaporin 2; plus strand). Cytogenetic location: 12q13.12.
Variant type: single nucleotide variant.
Coding change: c.560G>A on transcript NM_000486.6 (MANE Select); coding-DNA position 560, G replaced by A.
Protein change: p.Arg187His; replaces arginine 187 with histidine.
Molecular consequence: missense variant.
Genome position (GRCh38, 1-based): chr12:49,954,664, G>A. VCF-style: chr12-49954664-G-A. GRCh37 (hg19) VCF-style: chr12-50348447-G-A.
Other names: short protein forms R187H.
Identifiers: ClinVar variation 35695 (VCV000035695.8), dbSNP rs193922495, ClinGen allele CA260124.